The following is an entry in ClinVar:

ClinVar aggregate classification (germline): Pathogenic/Likely pathogenic. Review status: criteria provided, multiple submitters, no conflicts (2 of 4 stars). 6 submissions from 6 submitters: Pathogenic (4); Likely pathogenic (1). 1 of the submissions does not count toward it. Last evaluated 2025-11-29.

Conditions:
Autosomal recessive nonsyndromic hearing loss 4 (DFNB4). Also called: Deafness, autosomal recessive 4; FOXI1-Related Pendred Syndrome; KCNJ10-Related Pendred Syndrome; NEUROSENSORY NONSYNDROMIC RECESSIVE DEAFNESS 4; Enlarged vestibular aqueduct, digenic; DEAFNESS, AUTOSOMAL RECESSIVE 4, WITH ENLARGED VESTIBULAR AQUEDUCT, DIGENIC. Identifiers: Orphanet 90636, MedGen C3538946, MONDO:0010933, OMIM 600791.
Pendred syndrome (PDS). Also called: Pendred Syndrome (PDS); GOITER-DEAFNESS SYNDROME; HYPOTHYROIDISM, CONGENITAL, DUE TO DYSHORMONOGENESIS, 2B; THYROID DYSHORMONOGENESIS 2B; THYROID HORMONOGENESIS, GENETIC DEFECT IN, 2B; Pendred's syndrome. Identifiers: Orphanet 705, MedGen C0271829, MONDO:0010134, OMIM 274600.

Allele frequency attached by ClinVar (database versions not stated): gnomAD exomes below 0.00001.
gnomAD v4.1: 2 of 1,612,202 alleles (0.00012%); highest among the groups gnomAD compares: Admixed American, 0.0017%; no homozygotes.

Submissions (6):

Natera, Inc.
Classification: Pathogenic for Pendred syndrome. Last evaluated: 2025-11-29. Review status: criteria provided, single submitter. Criteria: Natera Variant Classification Schema (03/2026). Collection method: clinical testing. Allele origin: germline.
Comment: The c.367C>T variant in SLC26A4 is a missense variant predicted to cause substitution of proline to serine at amino acid 123. This variant is rare in the general population with a frequency below the threshold expected for the associated phenotype(s). This variant has been observed in one or more individuals affected with the associated recessive disease, as either homozygous or compound heterozygous with a second variant (PMID: 31427586, 35580552). Given the available evidence, this variant is classified as Pathogenic.

Women's Health and Genetics/Laboratory Corporation of America, LabCorp
Classification: Pathogenic for Pendred syndrome. Last evaluated: 2024-08-15. Review status: criteria provided, single submitter. Criteria: LabCorp Variant Classification Summary - May 2015. Collection method: clinical testing. Allele origin: germline.
Comment: Variant summary: SLC26A4 c.367C>T (p.Pro123Ser) results in a non-conservative amino acid change located in the SLC26A/SulP transporter domain (IPR011547) of the encoded protein sequence. Five of five in-silico tools predict a damaging effect of the variant on protein function. The variant allele was found at a frequency of 4e-06 in 251418 control chromosomes.c.367C>T has been reported in the literature in homozygous- and compound heterozygous individuals affected with nonsyndromic hearing loss and Pendred Syndrome (Tsukamoto_2003, Miyagawa_2014, Ideura_2019, Nakano_2022, Reis_2022). These data indicate that the variant is likely to be associated with disease. Publications also reported experimental evidence evaluating an impact on protein function, and demonstrated decreased membrane localization and almost complete absence of transporter activity for the variant protein (Ishihara_2010, Wasano_2020). The following publications have been ascertained in the context of this evaluation (PMID: 31427586, 20826203, 24599119, 34801268, 35580552, 14508505, 31599023). ClinVar contains an entry for this variant (Variation ID: 691506). Based on the evidence outlined above, the variant was classified as pathogenic.

GeneDx
Classification: Pathogenic. Last evaluated: 2024-07-16. Review status: criteria provided, single submitter. Criteria: GeneDx Variant Classification Process June 2021. Collection method: clinical testing. Allele origin: germline. Affected: yes.
Comment: Published functional studies demonstrate a damaging effect on protein localization and anion transport activity (PMID: 20826203, 31599023); Not observed at significant frequency in large population cohorts (gnomAD); In silico analysis supports that this missense variant has a deleterious effect on protein structure/function; This variant is associated with the following publications: (PMID: 27771369, 31599023, 24599119, 20826203, 14508505, 31427586, 34801268, 35580552, 38474007, 32165640)

Labcorp Genetics (formerly Invitae), Labcorp
Classification: Pathogenic. Last evaluated: 2024-03-14. Review status: criteria provided, single submitter. Criteria: Invitae Variant Classification Sherloc (09022015). Collection method: clinical testing. Allele origin: germline.
Comment: This sequence change replaces proline, which is neutral and non-polar, with serine, which is neutral and polar, at codon 123 of the SLC26A4 protein (p.Pro123Ser). This variant is present in population databases (no rsID available, gnomAD 0.0009%). This missense change has been observed in individual(s) with clinical features of Pendred syndrome (PMID: 24599119, 31427586). ClinVar contains an entry for this variant (Variation ID: 691506). Advanced modeling of protein sequence and biophysical properties (such as structural, functional, and spatial information, amino acid conservation, physicochemical variation, residue mobility, and thermodynamic stability) performed at Invitae indicates that this missense variant is expected to disrupt SLC26A4 protein function with a positive predictive value of 95%. Experimental studies have shown that this missense change affects SLC26A4 function (PMID: 20826203, 31599023, 32165640). For these reasons, this variant has been classified as Pathogenic.

Baylor Genetics
Classification: Likely pathogenic for Autosomal recessive nonsyndromic hearing loss 4. Last evaluated: 2023-11-14. Review status: criteria provided, single submitter. Criteria: ACMG Guidelines, 2015. Collection method: clinical testing. Allele origin: unknown.

National Institute of Sensory Organs, National Hospital Organization Tokyo Medical Center
Classification: Affects for Autosomal recessive nonsyndromic hearing loss 4. Last evaluated: 2019-08-20. Review status: no assertion criteria provided. Collection method: clinical testing, in vitro. Allele origin: inherited, germline. Inheritance: Autosomal recessive inheritance. Affected: yes. Functional consequence: loss_of_function_variant. Not counted in ClinVar's aggregate classification.
Comment: in vitro experiment

Literature cited by the submitters: PubMed 31427586 (cited by 3 submitters); PubMed 35580552 (cited by Natera, Inc. and Women's Health and Genetics/Laboratory Corporation of America, LabCorp); PubMed 31599023 (cited by 3 submitters); PubMed 24599119 (cited by 3 submitters); PubMed 20826203 (cited by 3 submitters); PubMed 34801268 (cited by Women's Health and Genetics/Laboratory Corporation of America, LabCorp); PubMed 14508505 (cited by Women's Health and Genetics/Laboratory Corporation of America, LabCorp and National Institute of Sensory Organs, National Hospital Organization Tokyo Medical Center); PubMed 32165640 (cited by Labcorp Genetics (formerly Invitae), Labcorp); PubMed 27771369 (cited by National Institute of Sensory Organs, National Hospital Organization Tokyo Medical Center).

NM_000441.2(SLC26A4):c.367C>T (p.Pro123Ser)

Gene: SLC26A4 (solute carrier family 26 member 4; plus strand). Cytogenetic location: 7q22.3.
Variant type: single nucleotide variant.
Coding change: c.367C>T on transcript NM_000441.2 (MANE Select); coding-DNA position 367, C replaced by T.
Protein change: p.Pro123Ser; replaces proline 123 with serine.
Molecular consequence: missense variant.
Genome position (GRCh38, 1-based): chr7:107,672,200, C>T. VCF-style: chr7-107672200-C-T. GRCh37 (hg19) VCF-style: chr7-107312645-C-T.
Other names: short protein forms P123S.
Identifiers: ClinVar variation 691506 (VCV000691506.14), dbSNP rs984967571, ClinGen allele CA164214883.